The following is an entry in ClinVar:

NM_001165963.4(SCN1A):c.1378-266T>A

Gene: SCN1A (sodium voltage-gated channel alpha subunit 1; minus strand). Cytogenetic location: 2q24.3.
Variant type: single nucleotide variant.
Coding change: c.1378-266T>A on transcript NM_001165963.4 (MANE Select); 266 bases into the intron before coding-DNA position 1378, T replaced by A.
Molecular consequence: intron variant.
Genome position (GRCh38, 1-based): chr2:166,045,593, A>T on the plus strand (T>A on the coding strand, the complement: SCN1A is on the minus strand). VCF-style: chr2-166045593-A-T. GRCh37 (hg19) VCF-style: chr2-166902103-A-T.
Other names: c.1378-266T>A (NM_001353949.2, NM_001353958.2, NM_001353950.2 and 7 more transcripts); c.1378-269T>A (NM_001353955.2, NM_001353960.2, NM_001353954.2); c.-1048-266T>A (NM_001353961.2).
Identifiers: ClinVar variation 684217 (VCV000684217.1), dbSNP rs992894, ClinGen allele CA11166031.
Genomic context (GRCh38, chr2:166,045,593, plus strand): 5'-ATGGTAACATTTATTATGTCTCTGTTAATGCTCCACAGACCACGTATTCAAAAATATCCA[A>T]CATGTATCAACAAGAAAATAAATTCATTACTTTTTGGGATTTGATTTACTTTAAAAATTG-3'

ClinVar aggregate classification (germline): Benign (1 of 4 stars; one submission).

Allele frequency attached by ClinVar (database versions not stated): TOPMed 0.65927; gnomAD 0.66153 and 0.66687; 1000 Genomes Project 30x 0.70128; 1000 Genomes Project 0.70927.
gnomAD v4.1: 101,236 of 151,920 alleles (67%); highest among the groups gnomAD compares: East Asian, 89%; 34,170 homozygotes.

Submission:

GeneDx
Classification: Benign. Last evaluated: 2018-06-18. Review status: criteria provided, single submitter. Criteria: GeneDx Variant Classification (06012015). Collection method: clinical testing. Allele origin: germline. Affected: yes.
Comment: This variant is considered likely benign or benign based on one or more of the following criteria: it is a conservative change, it occurs at a poorly conserved position in the protein, it is predicted to be benign by multiple in silico algorithms, and/or has population frequency not consistent with disease.